The following is an entry in ClinVar:

ClinVar aggregate classification (germline): Likely benign. Review status: criteria provided, multiple submitters, no conflicts (2 of 4 stars). 3 submissions from 3 submitters: Likely benign (2). 1 of the submissions does not count toward it. Last evaluated 2024-11-25.

Conditions:
CBL-related disorder. Also called: NOONAN SYNDROME-LIKE DISORDER WITHOUT JUVENILE MYELOMONOCYTIC LEUKEMIA; CBL MUTATION-ASSOCIATED SYNDROME; CBL SYNDROME. Identifiers: Orphanet 363972, MedGen C3150803, MONDO:0013308, OMIM 613563.
Cardiovascular phenotype. Identifiers: MedGen CN230736.
RASopathy. Also called: Noonan spectrum disorder; rasopathies. Identifiers: Orphanet 536391, MedGen C5555857, MONDO:0021060.

Allele frequency attached by ClinVar (database versions not stated): gnomAD exomes 0.00001.
gnomAD v4.1: 3 of 1,614,052 alleles (0.00019%); highest among the groups gnomAD compares: Admixed American, 0.0033%; no homozygotes.

Submissions (3):

Ambry Genetics
Classification: Likely benign for Cardiovascular phenotype. Last evaluated: 2024-11-25. Review status: criteria provided, single submitter. Criteria: Ambry Variant Classification Scheme 2023. Collection method: clinical testing. Allele origin: germline.

Labcorp Genetics (formerly Invitae), Labcorp
Classification: Likely benign for RASopathy. Last evaluated: 2023-12-14. Review status: criteria provided, single submitter. Criteria: Invitae Variant Classification Sherloc (09022015). Collection method: clinical testing. Allele origin: germline.

PreventionGenetics, part of Exact Sciences
Classification: Likely benign for CBL-related condition. Last evaluated: 2022-10-28. Review status: no assertion criteria provided. Collection method: clinical testing. Allele origin: germline. Not counted in ClinVar's aggregate classification.
Comment: This variant is classified as likely benign based on ACMG/AMP sequence variant interpretation guidelines (Richards et al. 2015 PMID: 25741868, with internal and published modifications).

NM_005188.4(CBL):c.246T>G (p.Pro82=)

Gene: CBL (Cbl proto-oncogene; plus strand). Cytogenetic location: 11q23.3.
Variant type: single nucleotide variant.
Coding change: c.246T>G on transcript NM_005188.4 (MANE Select); coding-DNA position 246, T replaced by G.
Protein change: p.Pro82=; no amino-acid change (proline 82 retained).
Molecular consequence: synonymous variant.
Genome position (GRCh38, 1-based): chr11:119,232,498, T>G. VCF-style: chr11-119232498-T-G. GRCh37 (hg19) VCF-style: chr11-119103208-T-G.
Other names: c.246T>G (NM_005188.2).
Identifiers: ClinVar variation 772948 (VCV000772948.13), dbSNP rs764747073, ClinGen allele CA229635097.